The following is an entry in ClinVar:

NM_016816.4(OAS1):c.32C>A (p.Ser11Tyr)

Genes: OAS1 (2'-5'-oligoadenylate synthetase 1; plus strand), LOC130008812 (ATAC-STARR-seq lymphoblastoid active region 7052; plus strand). Cytogenetic location: 12q24.13.
Variant type: single nucleotide variant.
Coding change: c.32C>A on transcript NM_016816.4 (MANE Select); coding-DNA position 32, C replaced by A.
Protein change: p.Ser11Tyr; replaces serine 11 with tyrosine.
Molecular consequence: missense variant. On other transcripts: non-coding transcript variant (9).
Genome position (GRCh38, 1-based): chr12:112,907,071, C>A. VCF-style: chr12-112907071-C-A. GRCh37 (hg19) VCF-style: chr12-113344876-C-A.
Other names: c.32C>A, p.Ser11Tyr (NM_001406030.1, NM_001412228.1, NM_002534.4 and 11 more transcripts); c.32C>A (NM_016816.2); short protein forms S11Y.
Identifiers: ClinVar variation 2817440 (VCV002817440.4), dbSNP rs2540939333, ClinGen allele CA386798195.

ClinVar aggregate classification (germline): Uncertain significance. Review status: criteria provided, multiple submitters, no conflicts (2 of 4 stars). 2 submissions from 2 submitters: Uncertain significance (2). Last evaluated 2025-03-22.

Allele frequency attached by ClinVar (database versions not stated): gnomAD exomes below 0.00001.
gnomAD v4.1: 1 of 1,614,262 alleles (0.000062%); highest among the groups gnomAD compares: Non-Finnish European, 0.000085%; no homozygotes.

Submissions (2):

Ambry Genetics
Classification: Uncertain significance. Last evaluated: 2025-03-22. Review status: criteria provided, single submitter. Criteria: Ambry Variant Classification Scheme 2023. Collection method: clinical testing. Allele origin: germline.

Labcorp Genetics (formerly Invitae), Labcorp
Classification: Uncertain significance. Last evaluated: 2022-11-29. Review status: criteria provided, single submitter. Criteria: Invitae Variant Classification Sherloc (09022015). Collection method: clinical testing. Allele origin: germline.
Comment: In summary, the available evidence is currently insufficient to determine the role of this variant in disease. Therefore, it has been classified as a Variant of Uncertain Significance. Algorithms developed to predict the effect of missense changes on protein structure and function output the following: SIFT: "Not Available"; PolyPhen-2: "Benign"; Align-GVGD: "Not Available". The tyrosine amino acid residue is found in multiple mammalian species, which suggests that this missense change does not adversely affect protein function. This variant has not been reported in the literature in individuals affected with OAS1-related conditions. This variant is not present in population databases (gnomAD no frequency). This sequence change replaces serine, which is neutral and polar, with tyrosine, which is neutral and polar, at codon 11 of the OAS1 protein (p.Ser11Tyr).